The following is an entry in ClinVar:

ClinVar aggregate classification (germline): Likely benign. Review status: criteria provided, multiple submitters, no conflicts (2 of 4 stars). 2 submissions from 2 submitters: Likely benign (2). Last evaluated 2026-02-01.

gnomAD v4.1: 391 of 1,614,158 alleles (0.024%); highest among the groups gnomAD compares: South Asian, 0.3%; 4 homozygotes.

Submissions (2):

CeGaT Center for Human Genetics Tuebingen
Classification: Likely benign. Last evaluated: 2026-02-01. Review status: criteria provided, single submitter. Criteria: CeGaT Center For Human Genetics Tuebingen Variant Classification Criteria Version 2. Collection method: clinical testing. Allele origin: germline. Affected: yes. Observed: 2 variant alleles.
Comment: MAP1B: BP4, BP7, BS1

Blueprint Genetics
Classification: Likely benign. Last evaluated: 2024-09-30. Review status: criteria provided, single submitter. Criteria: ACMG Guidelines, 2015. Collection method: clinical testing. Allele origin: germline.

NM_005909.5(MAP1B):c.5370A>G (p.Arg1790=)

Gene: MAP1B (microtubule associated protein 1B; plus strand). Cytogenetic location: 5q13.2.
Variant type: single nucleotide variant.
Coding change: c.5370A>G on transcript NM_005909.5 (MANE Select); coding-DNA position 5370, A replaced by G.
Protein change: p.Arg1790=; no amino-acid change (arginine 1790 retained).
Molecular consequence: synonymous variant.
Genome position (GRCh38, 1-based): chr5:72,198,725, A>G. VCF-style: chr5-72198725-A-G. GRCh37 (hg19) VCF-style: chr5-71494552-A-G.
Other names: c.4992A>G, p.Arg1664= (NM_001324255.2).
Identifiers: ClinVar variation 4820803 (VCV004820803.5).